The following is an entry in ClinVar:

ClinVar aggregate classification (germline): Uncertain significance. Review status: criteria provided, multiple submitters, no conflicts (2 of 4 stars). 2 submissions from 2 submitters: Uncertain significance (2). Last evaluated 2025-09-05.

Conditions:
Inborn genetic diseases. Identifiers: MedGen C0950123, MeSH D030342.

Allele frequency attached by ClinVar (database versions not stated): 1000 Genomes Project 30x 0.00062; ExAC 0.00002; gnomAD exomes 0.00002; gnomAD 0.00005 and 0.00007; TOPMed 0.00023; 1000 Genomes Project 0.00060.

Submissions (2):

Ambry Genetics
Classification: Uncertain significance for Inborn genetic diseases. Last evaluated: 2025-09-05. Review status: criteria provided, single submitter. Criteria: Ambry Variant Classification Scheme 2023. Collection method: clinical testing. Allele origin: germline.

Labcorp Genetics (formerly Invitae), Labcorp
Classification: Uncertain significance. Last evaluated: 2022-09-06. Review status: criteria provided, single submitter. Criteria: Invitae Variant Classification Sherloc (09022015). Collection method: clinical testing. Allele origin: germline.
Comment: This sequence change replaces glutamic acid, which is acidic and polar, with glutamine, which is neutral and polar, at codon 1651 of the CAD protein (p.Glu1651Gln). This variant is present in population databases (rs201600315, gnomAD 0.01%). This variant has not been reported in the literature in individuals affected with CAD-related conditions. ClinVar contains an entry for this variant (Variation ID: 1447727). Algorithms developed to predict the effect of missense changes on protein structure and function (SIFT, PolyPhen-2, Align-GVGD) all suggest that this variant is likely to be tolerated. In summary, the available evidence is currently insufficient to determine the role of this variant in disease. Therefore, it has been classified as a Variant of Uncertain Significance.

NM_004341.5(CAD):c.4951G>C (p.Glu1651Gln)

Gene: CAD (carbamoyl-phosphate synthetase 2, aspartate transcarbamylase, and dihydroorotase; plus strand). Cytogenetic location: 2p23.3.
Variant type: single nucleotide variant.
Coding change: c.4951G>C on transcript NM_004341.5 (MANE Select); coding-DNA position 4951, G replaced by C.
Protein change: p.Glu1651Gln; replaces glutamic acid 1651 with glutamine.
Molecular consequence: missense variant.
Genome position (GRCh38, 1-based): chr2:27,238,521, G>C. VCF-style: chr2-27238521-G-C. GRCh37 (hg19) VCF-style: chr2-27461389-G-C.
Other names: c.4762G>C, p.Glu1588Gln (NM_001306079.2); c.4951G>C (NM_004341.3); short protein forms E1651Q, E1588Q.
Identifiers: ClinVar variation 1447727 (VCV001447727.6), dbSNP rs201600315, ClinGen allele CA1573703.